The following is an entry in ClinVar:

ClinVar aggregate classification (germline): Uncertain significance (1 of 4 stars; one submission).

Allele frequency attached by ClinVar (database versions not stated): gnomAD exomes below 0.00001.
gnomAD v4.1: 1 of 1,211,573 alleles (0.000083%); highest among the groups gnomAD compares: Non-Finnish European, 0.00011%; no homozygotes.

Submission:

ARUP Laboratories, Molecular Genetics and Genomics, ARUP Laboratories
Classification: Uncertain significance. Last evaluated: 2018-09-28. Review status: criteria provided, single submitter. Criteria: ARUP Molecular Germline Variant Investigation Process. Collection method: clinical testing. Allele origin: germline.
Comment: The G6PD c.490T>C; p.Trp164Arg variant, to our knowledge, is not reported in the medical literature or gene specific databases. This variant is also absent from general population databases (1000 Genomes Project, Exome Variant Server, and Genome Aggregation Database), indicating it is not a common polymorphism. The tryptophan at codon 164 is highly conserved, but computational analyses (SIFT: damaging, PolyPhen-2: benign) predict conflicting effects of this variant on protein structure/function. Due to limited information, the clinical significance of the p.Trp164Arg variant is uncertain at this time.

NM_001360016.2(G6PD):c.490T>C (p.Trp164Arg)

Gene: G6PD (glucose-6-phosphate dehydrogenase; minus strand). Cytogenetic location: Xq28.
Variant type: single nucleotide variant.
Coding change: c.490T>C on transcript NM_001360016.2 (MANE Select); coding-DNA position 490, T replaced by C.
Protein change: p.Trp164Arg; replaces tryptophan 164 with arginine.
Molecular consequence: missense variant.
Genome position (GRCh38, 1-based): chrX:154,534,492, A>G on the plus strand (T>C on the coding strand, the complement: G6PD is on the minus strand). VCF-style: chrX-154534492-A-G. GRCh37 (hg19) VCF-style: chrX-153762707-A-G.
Other names: c.580T>C, p.Trp194Arg (NM_000402.4); c.490T>C, p.Trp164Arg (NM_001042351.3); short protein forms W164R, W194R.
Identifiers: ClinVar variation 811794 (VCV000811794.8), dbSNP rs1603411632, ClinGen allele CA415238214.